The following is an entry in ClinVar:

NM_015443.4(KANSL1):c.743dup (p.Leu248fs)

Gene: KANSL1 (KAT8 regulatory NSL complex subunit 1). Cytogenetic location: 17q21.31.
Variant type: Duplication.
Coding change: c.743dup on transcript NM_015443.4 (MANE Select); coding-DNA position 743, one base duplicated.
Protein change: p.Leu248fs; shifts the reading frame from leucine 248.
Molecular consequence: frameshift variant. On other transcripts: intron variant (4).
Genome position: GRCh38 VCF-style: chr17-46171400-T-TA. GRCh37 (hg19) VCF-style: chr17-44248766-T-TA.
Other names: c.743dup, p.Leu248fs (NM_001193465.2, NM_001193466.2, NM_001379198.1 and 18 more transcripts); c.23+52270dup (NM_001405885.1, NM_001405884.1, NM_001405883.1 and 1 more transcripts); short protein forms L248fs.
Identifiers: ClinVar variation 3775574 (VCV003775574.1).

ClinVar aggregate classification (germline): Likely pathogenic (1 of 4 stars; one submission).

Conditions:
Koolen-de Vries syndrome (KDVS). Identifiers: Orphanet 96169, MedGen C1864871, MONDO:0012496, OMIM 610443.

Submission:

3billion
Classification: Likely pathogenic for Koolen-de Vries syndrome. Last evaluated: 2023-12-09. Review status: criteria provided, single submitter. Criteria: ACMG Guidelines, 2015. Collection method: clinical testing. Allele origin: germline. Affected: yes.
Comment: The variant is not observed in the gnomAD v2.1.1 dataset. Predicted Consequence/Location: Frameshift: predicted to result in a loss or disruption of normal protein function through nonsense-mediated decay (NMD) or protein truncation. Multiple pathogenic variants are reported downstream of the variant. Therefore, this variant is classified as Likely pathogenic according to the recommendation of ACMG/AMP guideline.